The following is an entry in ClinVar:

NM_001127511.3(APC):c.88A>C (p.Ser30Arg)

Gene: APC (APC regulator of Wnt signaling pathway; plus strand). Cytogenetic location: 5q22.2.
Variant type: single nucleotide variant.
Coding change: c.88A>C on transcript NM_001127511.3; coding-DNA position 88, A replaced by C.
Protein change: p.Ser30Arg; replaces serine 30 with arginine.
Molecular consequence: missense variant. On other transcripts: 5 prime UTR variant (8), non-coding transcript variant (1), intron variant (5).
Genome position (GRCh38, 1-based): chr5:112,707,805, A>C. VCF-style: chr5-112707805-A-C. GRCh37 (hg19) VCF-style: chr5-112043502-A-C.
Other names: c.-96A>C (NM_001354895.2, NM_001407447.1, NM_001407452.1 and 3 more transcripts); c.88A>C, p.Ser30Arg (NM_001354897.2, NM_001354902.2, NM_001407446.1); c.-1131A>C (NM_001407470.1, NM_001407472.1); c.-19+156A>C (NM_001407448.1, NM_001407450.1, NM_001407457.1 and 1 more transcripts); c.-43+156A>C (NM_001407453.1); short protein forms S30R.
Identifiers: ClinVar variation 2763382 (VCV002763382.3), dbSNP rs2149630963, ClinGen allele CA360611927.

ClinVar aggregate classification (germline): Uncertain significance (1 of 4 stars; one submission).

Conditions:
Familial adenomatous polyposis 1 (FAP1). Also called: FAMILIAL ADENOMATOUS POLYPOSIS 1, ATTENUATED; POLYPOSIS, ADENOMATOUS INTESTINAL. Identifiers: MedGen C2713442, MONDO:0021056, OMIM 175100. Disease mechanism: loss of function.

Submission:

Labcorp Genetics (formerly Invitae), Labcorp
Classification: Uncertain significance for Familial adenomatous polyposis 1. Last evaluated: 2023-09-26. Review status: criteria provided, single submitter. Criteria: Invitae Variant Classification Sherloc (09022015). Collection method: clinical testing. Allele origin: germline.
Comment: This variant occurs in a non-coding region of the APC gene. It does not change the encoded amino acid sequence of the APC protein. This variant is not present in population databases (gnomAD no frequency). This variant has not been reported in the literature in individuals affected with APC-related conditions. Experimental studies and prediction algorithms are not available or were not evaluated, and the functional significance of this variant is currently unknown. In summary, the available evidence is currently insufficient to determine the role of this variant in disease. Therefore, it has been classified as a Variant of Uncertain Significance.